The following is an entry in ClinVar:

ClinVar aggregate classification (germline): Likely benign (1 of 4 stars; one submission).

Allele frequency attached by ClinVar (database versions not stated): 1000 Genomes Project 0.00319; 1000 Genomes Project 30x 0.00375; ExAC 0.00540; gnomAD 0.00595; TOPMed 0.00603; ESP Exome Variant Server 0.00623; gnomAD exomes 0.00764.

Submission:

CeGaT Center for Human Genetics Tuebingen
Classification: Likely benign. Last evaluated: 2023-04-01. Review status: criteria provided, single submitter. Criteria: CeGaT Center For Human Genetics Tuebingen Variant Classification Criteria Version 2. Collection method: clinical testing. Allele origin: germline. Affected: yes. Observed: 1 variant allele.
Comment: C1orf116: BS2

NM_023938.6(C1orf116):c.68dup (p.Asp23fs)

Gene: C1orf116 (chromosome 1 open reading frame 116; minus strand). Cytogenetic location: 1q32.1.
Variant type: Duplication.
Coding change: c.68dup on transcript NM_023938.6 (MANE Select); coding-DNA position 68, one base duplicated (A; older notation c.68dupA).
Protein change: p.Asp23fs; shifts the reading frame from aspartic acid 23.
Molecular consequence: frameshift variant. On other transcripts: intron variant (1).
Genome position (GRCh38, 1-based): chr1:207,027,531, T duplicated on the plus strand (A on the coding strand, the reverse complement: C1orf116 is on the minus strand). VCF-style (leftmost placement, unchanged base first): chr1-207027530-G-GT. GRCh37 (hg19) VCF-style: chr1-207200875-G-GT.
Other names: c.-633-2467dup (NM_001083924.2); short protein forms D23fs.
Identifiers: ClinVar variation 2639868 (VCV002639868.24), dbSNP rs201900436, ClinGen allele CA1366378.